The following is an entry in ClinVar:

NM_000135.4(FANCA):c.2504+6C>G

Gene: FANCA (FA complementation group A; minus strand). Cytogenetic location: 16q24.3.
Variant type: single nucleotide variant.
Coding change: c.2504+6C>G on transcript NM_000135.4 (MANE Select); 6 bases into the intron after coding-DNA position 2504, C replaced by G.
Molecular consequence: intron variant.
Genome position (GRCh38, 1-based): chr16:89,769,831, G>C on the plus strand (C>G on the coding strand, the complement: FANCA is on the minus strand). VCF-style: chr16-89769831-G-C. GRCh37 (hg19) VCF-style: chr16-89836239-G-C.
Other names: c.2504+6C>G (NM_001286167.3, NM_000135.3).
Identifiers: ClinVar variation 970841 (VCV000970841.14), dbSNP rs749556479, ClinGen allele CA8251710.

ClinVar aggregate classification (germline): Likely benign. Review status: criteria provided, multiple submitters, no conflicts (2 of 4 stars). 5 submissions from 5 submitters: Likely benign (4). 1 of the submissions does not count toward it. Last evaluated 2026-01-17.

Conditions:
FANCA-related disorder. Also called: FANCA-related condition.
Fanconi anemia complementation group A (FANCA). Also called: FANCA-Related Fanconi Anemia; Fanconi anemia, group A. Identifiers: Orphanet 84, MedGen C3469521, MONDO:0009215, OMIM 227650.
Fanconi anemia (FA). Also called: Fanconi's anemia. Identifiers: Orphanet 84, MedGen C0015625, MeSH D005199, MONDO:0019391.

Allele frequency attached by ClinVar (database versions not stated): TOPMed 0.00005; gnomAD exomes 0.00016; ExAC 0.00017.
gnomAD v4.1: 43 of 1,614,000 alleles (0.0027%); highest among the groups gnomAD compares: Admixed American, 0.072%; 1 homozygote.

Submissions (5):

Labcorp Genetics (formerly Invitae), Labcorp
Classification: Likely benign for Fanconi anemia. Last evaluated: 2026-01-17. Review status: criteria provided, single submitter. Criteria: Invitae Variant Classification Sherloc (09022015). Collection method: clinical testing. Allele origin: germline.

PreventionGenetics, part of Exact Sciences
Classification: Likely benign for FANCA-related condition. Last evaluated: 2024-11-12. Review status: criteria provided, single submitter. Criteria: ACMG Guidelines, 2015. Collection method: clinical testing. Allele origin: germline.
Comment: This variant is classified as likely benign based on ACMG/AMP sequence variant interpretation guidelines (Richards et al. 2015 PMID: 25741868, with internal and published modifications).

Fulgent Genetics
Classification: Likely benign for Fanconi anemia complementation group A. Last evaluated: 2024-03-14. Review status: criteria provided, single submitter. Criteria: ACMG Guidelines, 2015. Collection method: clinical testing. Allele origin: germline.

Quest Diagnostics Nichols Institute San Juan Capistrano
Classification: Likely benign. Last evaluated: 2024-03-08. Review status: criteria provided, single submitter. Criteria: Quest Diagnostics criteria. Collection method: clinical testing. Allele origin: unknown.

Natera, Inc.
Classification: Uncertain significance for Fanconi anemia. Last evaluated: 2020-02-26. Review status: no assertion criteria provided. Collection method: clinical testing. Allele origin: germline. Not counted in ClinVar's aggregate classification.